The following is an entry in ClinVar:

NM_001352754.2(ARMC9):c.100G>T (p.Glu34Ter)

Gene: ARMC9 (armadillo repeat containing 9; plus strand). Cytogenetic location: 2q37.1.
Variant type: single nucleotide variant.
Coding change: c.100G>T on transcript NM_001352754.2 (MANE Select); coding-DNA position 100, G replaced by T.
Protein change: p.Glu34Ter; replaces glutamic acid 34 with a stop codon.
Molecular consequence: nonsense. On other transcripts: non-coding transcript variant (1).
Genome position (GRCh38, 1-based): chr2:231,208,175, G>T. VCF-style: chr2-231208175-G-T. GRCh37 (hg19) VCF-style: chr2-232072888-G-T.
Other names: c.100G>T, p.Glu34Ter (NM_001271466.4, NM_001291656.2, NM_001352755.2 and 5 more transcripts); short protein forms E34*.
Identifiers: ClinVar variation 1034090 (VCV001034090.1), dbSNP rs1330612935, ClinGen allele CA350944300.
Genomic context (GRCh38, chr2:231,208,175, plus strand): 5'-TATTTTTTATAGTATTTAGATTTTGCTGAATTTGAAGACACCTTGAAAACATTTTCAAAA[G>T]AATGCAAAATAAAAGGAAAACCATTGTGTAAAACAGTAGGCGGATCTTTCAGAGACTCCA-3'

ClinVar aggregate classification (germline): Pathogenic (1 of 4 stars; one submission).

Conditions:
Joubert syndrome 30. Identifiers: MedGen C4539937, MONDO:0033308, OMIM 617622.

Allele frequency attached by ClinVar (database versions not stated): gnomAD exomes below 0.00001; gnomAD 0.00001.
gnomAD v4.1: 2 of 1,606,690 alleles (0.00012%); highest among the groups gnomAD compares: Admixed American, 0.0017%; no homozygotes.

Submission:

Baylor Genetics
Classification: Pathogenic for Joubert syndrome 30. Last evaluated: 2018-04-20. Review status: criteria provided, single submitter. Criteria: ACMG Guidelines, 2015. Collection method: clinical testing. Allele origin: maternal. Affected: yes.
Comment: This variant was determined to be pathogenic according to ACMG Guidelines, 2015 [PMID:25741868].